The following is an entry in ClinVar:

NM_182977.3(NNT):c.2770G>A (p.Ala924Thr)

Gene: NNT (nicotinamide nucleotide transhydrogenase; plus strand). Cytogenetic location: 5p12.
Variant type: single nucleotide variant.
Coding change: c.2770G>A on transcript NM_182977.3 (MANE Select); coding-DNA position 2770, G replaced by A.
Protein change: p.Ala924Thr; replaces alanine 924 with threonine.
Molecular consequence: missense variant.
Genome position (GRCh38, 1-based): chr5:43,675,646, G>A. VCF-style: chr5-43675646-G-A. GRCh37 (hg19) VCF-style: chr5-43675748-G-A.
Other names: c.2377G>A, p.Ala793Thr (NM_001331026.2); c.2770G>A, p.Ala924Thr (NM_012343.4); short protein forms A793T, A924T.
Identifiers: ClinVar variation 2001300 (VCV002001300.4), dbSNP rs2478043352, ClinGen allele CA359670709.

ClinVar aggregate classification (germline): Uncertain significance (1 of 4 stars; one submission).

gnomAD v4.1: 1 of 1,606,692 alleles (0.000062%); highest among the groups gnomAD compares: Non-Finnish European, 0.000085%; no homozygotes.

Submission:

Labcorp Genetics (formerly Invitae), Labcorp
Classification: Uncertain significance. Last evaluated: 2022-05-31. Review status: criteria provided, single submitter. Criteria: Invitae Variant Classification Sherloc (09022015). Collection method: clinical testing. Allele origin: germline.
Comment: This sequence change replaces alanine, which is neutral and non-polar, with threonine, which is neutral and polar, at codon 924 of the NNT protein (p.Ala924Thr). This variant is not present in population databases (gnomAD no frequency). This variant has not been reported in the literature in individuals affected with NNT-related conditions. Algorithms developed to predict the effect of missense changes on protein structure and function (SIFT, PolyPhen-2, Align-GVGD) all suggest that this variant is likely to be disruptive. In summary, the available evidence is currently insufficient to determine the role of this variant in disease. Therefore, it has been classified as a Variant of Uncertain Significance.